The following is an entry in ClinVar:

NM_001164665.2(KIAA1549):c.5000C>A (p.Pro1667His)

Gene: KIAA1549 (KIAA1549; minus strand). Cytogenetic location: 7q34.
Variant type: single nucleotide variant.
Coding change: c.5000C>A on transcript NM_001164665.2 (MANE Select); coding-DNA position 5000, C replaced by A.
Protein change: p.Pro1667His; replaces proline 1667 with histidine.
Molecular consequence: missense variant.
Genome position (GRCh38, 1-based): chr7:138,861,386, G>T on the plus strand (C>A on the coding strand, the complement: KIAA1549 is on the minus strand). VCF-style: chr7-138861386-G-T. GRCh37 (hg19) VCF-style: chr7-138546132-G-T.
Other names: c.5000C>A, p.Pro1667His (NM_020910.3); short protein forms P1667H.
Identifiers: ClinVar variation 1923617 (VCV001923617.5), dbSNP rs377091820, ClinGen allele CA4505678.

ClinVar aggregate classification (germline): Uncertain significance (1 of 4 stars; one submission).

Allele frequency attached by ClinVar (database versions not stated): gnomAD exomes 0.00001; ExAC 0.00002; gnomAD 0.00005; ESP Exome Variant Server 0.00008; TOPMed 0.00008.
gnomAD v4.1: 24 of 1,611,644 alleles (0.0015%); highest among the groups gnomAD compares: African/African-American, 0.016%; no homozygotes.

Submission:

Labcorp Genetics (formerly Invitae), Labcorp
Classification: Uncertain significance. Last evaluated: 2022-03-04. Review status: criteria provided, single submitter. Criteria: Invitae Variant Classification Sherloc (09022015). Collection method: clinical testing. Allele origin: germline.
Comment: Algorithms developed to predict the effect of missense changes on protein structure and function (SIFT, PolyPhen-2, Align-GVGD) all suggest that this variant is likely to be disruptive. In summary, the available evidence is currently insufficient to determine the role of this variant in disease. Therefore, it has been classified as a Variant of Uncertain Significance. This variant has not been reported in the literature in individuals affected with KIAA1549-related conditions. This sequence change replaces proline, which is neutral and non-polar, with histidine, which is basic and polar, at codon 1667 of the KIAA1549 protein (p.Pro1667His). This variant is present in population databases (rs377091820, gnomAD 0.03%).